The following is an entry in ClinVar:

ClinVar aggregate classification (germline): Uncertain significance (1 of 4 stars; one submission).

Conditions:
Hypertrophic cardiomyopathy. Also called: HYPERTROPHIC MYOCARDIOPATHY. Identifiers: Orphanet 217569, MedGen C0007194, MeSH D002312, MONDO:0005045, HP:0001639.

Submission:

Labcorp Genetics (formerly Invitae), Labcorp
Classification: Uncertain significance for Hypertrophic cardiomyopathy. Last evaluated: 2023-06-17. Review status: criteria provided, single submitter. Criteria: Invitae Variant Classification Sherloc (09022015). Collection method: clinical testing. Allele origin: germline.
Comment: In summary, the available evidence is currently insufficient to determine the role of this variant in disease. Therefore, it has been classified as a Variant of Uncertain Significance. An algorithm developed to predict the effect of missense changes on protein structure and function (PolyPhen-2) suggests that this variant is likely to be disruptive. This variant has not been reported in the literature in individuals affected with MYL3-related conditions. This variant is not present in population databases (gnomAD no frequency). This sequence change replaces asparagine, which is neutral and polar, with lysine, which is basic and polar, at codon 180 of the MYL3 protein (p.Asn180Lys).

NM_000258.3(MYL3):c.540T>G (p.Asn180Lys)

Gene: MYL3 (myosin light chain 3; minus strand). Cytogenetic location: 3p21.31.
Variant type: single nucleotide variant.
Coding change: c.540T>G on transcript NM_000258.3 (MANE Select); coding-DNA position 540, T replaced by G.
Protein change: p.Asn180Lys; replaces asparagine 180 with lysine.
Molecular consequence: missense variant.
Genome position (GRCh38, 1-based): chr3:46,858,403, A>C on the plus strand (T>G on the coding strand, the complement: MYL3 is on the minus strand). VCF-style: chr3-46858403-A-C. GRCh37 (hg19) VCF-style: chr3-46899893-A-C.
Other names: c.540T>G, p.Asn180Lys (NM_001406937.1, NM_001406938.1, NM_001406939.1); c.366T>G, p.Asn122Lys (NM_001406940.1); c.351T>G, p.Asn117Lys (NM_001406941.1); short protein forms N122K, N117K, N180K.
Identifiers: ClinVar variation 2718667 (VCV002718667.3), dbSNP rs2544963005, ClinGen allele CA352495339.